The following is an entry in ClinVar:

NM_000465.4(BARD1):c.186T>G (p.Cys62Trp)

Gene: BARD1 (BRCA1 associated RING domain 1; minus strand). Cytogenetic location: 2q35.
Variant type: single nucleotide variant.
Coding change: c.186T>G on transcript NM_000465.4 (MANE Select); coding-DNA position 186, T replaced by G.
Protein change: p.Cys62Trp; replaces cysteine 62 with tryptophan.
Molecular consequence: missense variant. On other transcripts: non-coding transcript variant (2), intron variant (2).
Genome position (GRCh38, 1-based): chr2:214,797,090, A>C on the plus strand (T>G on the coding strand, the complement: BARD1 is on the minus strand). VCF-style: chr2-214797090-A-C. GRCh37 (hg19) VCF-style: chr2-215661814-A-C.
Other names: c.186T>G (NM_000465.2); c.186T>G, p.Cys62Trp (NM_001282545.2, NM_001282549.2); c.158+12322T>G (NM_001282548.2); c.159-4645T>G (NM_001282543.2); short protein forms C62W.
Identifiers: ClinVar variation 406737 (VCV000406737.10), dbSNP rs1060501281, ClinGen allele CA16610757.

ClinVar aggregate classification (germline): Uncertain significance. Review status: criteria provided, multiple submitters, no conflicts (2 of 4 stars). 2 submissions from 2 submitters: Uncertain significance (2). Last evaluated 2026-07-07.

Conditions:
Hereditary cancer-predisposing syndrome. Also called: Neoplastic Syndromes, Hereditary; Hereditary Cancer Syndrome; Tumor predisposition; Hereditary neoplastic syndrome. Identifiers: Orphanet 140162, MedGen C0027672, MeSH D009386, MONDO:0015356.
Familial cancer of breast. Also called: BREAST CANCER, FAMILIAL; hereditary breast carcinoma; Hereditary breast cancer. Identifiers: Orphanet 227535, MedGen C0346153, MONDO:0016419, OMIM 114480. Disease mechanism: loss of function.

Submissions (2):

Ambry Genetics
Classification: Uncertain significance for Hereditary cancer-predisposing syndrome. Last evaluated: 2026-07-07. Review status: criteria provided, single submitter. Criteria: Ambry Variant Classification Scheme 2023. Collection method: clinical testing. Allele origin: germline.
Comment: The p.C62W variant (also known as c.186T>G), located in coding exon 2 of the BARD1 gene, results from a T to G substitution at nucleotide position 186. The cysteine at codon 62 is replaced by tryptophan, an amino acid with highly dissimilar properties. This amino acid position is conserved. In addition, the in silico prediction for this alteration is inconclusive. Based on the available evidence, the clinical significance of this variant remains unclear.

Labcorp Genetics (formerly Invitae), Labcorp
Classification: Uncertain significance for Familial cancer of breast. Last evaluated: 2022-10-30. Review status: criteria provided, single submitter. Criteria: Invitae Variant Classification Sherloc (09022015). Collection method: clinical testing. Allele origin: germline.
Comment: In summary, the available evidence is currently insufficient to determine the role of this variant in disease. Therefore, it has been classified as a Variant of Uncertain Significance. RNA analysis performed to evaluate the impact of this missense change on mRNA splicing indicates it does not significantly alter splicing (Invitae). Algorithms developed to predict the effect of missense changes on protein structure and function are either unavailable or do not agree on the potential impact of this missense change (SIFT: "Deleterious"; PolyPhen-2: "Probably Damaging"; Align-GVGD: "Class C15"). ClinVar contains an entry for this variant (Variation ID: 406737). This variant has not been reported in the literature in individuals affected with BARD1-related conditions. This variant is not present in population databases (gnomAD no frequency). This sequence change replaces cysteine, which is neutral and slightly polar, with tryptophan, which is neutral and slightly polar, at codon 62 of the BARD1 protein (p.Cys62Trp).